The following is an entry in ClinVar:

NM_138459.5(NUS1):c.301A>G (p.Met101Val)

Gene: NUS1 (NUS1 dehydrodolichyl diphosphate synthase subunit; plus strand). Cytogenetic location: 6q22.1.
Variant type: single nucleotide variant.
Coding change: c.301A>G on transcript NM_138459.5 (MANE Select); coding-DNA position 301, A replaced by G.
Protein change: p.Met101Val; replaces methionine 101 with valine.
Molecular consequence: missense variant.
Genome position (GRCh38, 1-based): chr6:117,675,971, A>G. VCF-style: chr6-117675971-A-G. GRCh37 (hg19) VCF-style: chr6-117997134-A-G.
Other names: short protein forms M101V.
Identifiers: ClinVar variation 2122448 (VCV002122448.4), dbSNP rs988797644, ClinGen allele CA146431400.

ClinVar aggregate classification (germline): Uncertain significance (1 of 4 stars; one submission).

Conditions:
Congenital disorder of glycosylation, type Iaa. Also called: Congenital disorder of glycosylation, type 1aa. Identifiers: MedGen C4310727, MONDO:0014904, OMIM 617082.

Allele frequency attached by ClinVar (database versions not stated): gnomAD exomes below 0.00001; TOPMed 0.00001; gnomAD 0.00003.

Submission:

Labcorp Genetics (formerly Invitae), Labcorp
Classification: Uncertain significance for Congenital disorder of glycosylation, type Iaa. Last evaluated: 2024-02-05. Review status: criteria provided, single submitter. Criteria: Invitae Variant Classification Sherloc (09022015). Collection method: clinical testing. Allele origin: germline.
Comment: This sequence change replaces methionine, which is neutral and non-polar, with valine, which is neutral and non-polar, at codon 101 of the NUS1 protein (p.Met101Val). This variant is present in population databases (no rsID available, gnomAD 0.004%). This variant has not been reported in the literature in individuals affected with NUS1-related conditions. ClinVar contains an entry for this variant (Variation ID: 2122448). Algorithms developed to predict the effect of missense changes on protein structure and function output the following: SIFT: "Not Available"; PolyPhen-2: "Benign"; Align-GVGD: "Not Available". The valine amino acid residue is found in multiple mammalian species, which suggests that this missense change does not adversely affect protein function. In summary, the available evidence is currently insufficient to determine the role of this variant in disease. Therefore, it has been classified as a Variant of Uncertain Significance.